The following is an entry in ClinVar:

ClinVar aggregate classification (germline): Uncertain significance (1 of 4 stars; one submission).

Submission:

Labcorp Genetics (formerly Invitae), Labcorp
Classification: Uncertain significance. Last evaluated: 2024-07-15. Review status: criteria provided, single submitter. Criteria: Invitae Variant Classification Sherloc (09022015). Collection method: clinical testing. Allele origin: germline.
Comment: This sequence change replaces proline, which is neutral and non-polar, with leucine, which is neutral and non-polar, at codon 95 of the HAND2 protein (p.Pro95Leu). This variant is present in population databases (no rsID available, gnomAD 0.007%). This variant has not been reported in the literature in individuals affected with HAND2-related conditions. An algorithm developed to predict the effect of missense changes on protein structure and function (PolyPhen-2) suggests that this variant is likely to be tolerated. In summary, the available evidence is currently insufficient to determine the role of this variant in disease. Therefore, it has been classified as a Variant of Uncertain Significance.

NM_021973.3(HAND2):c.284C>T (p.Pro95Leu)

Genes: HAND2 (heart and neural crest derivatives expressed 2; minus strand), HAND2-AS1 (HAND2 antisense RNA 1; plus strand). Cytogenetic location: 4q34.1.
Variant type: single nucleotide variant.
Coding change: c.284C>T on transcript NM_021973.3 (MANE Select); coding-DNA position 284, C replaced by T.
Protein change: p.Pro95Leu; replaces proline 95 with leucine.
Molecular consequence: missense variant.
Genome position (GRCh38, 1-based): chr4:173,529,006, G>A on the plus strand (C>T on the coding strand, the complement: HAND2 is on the minus strand). VCF-style: chr4-173529006-G-A. GRCh37 (hg19) VCF-style: chr4-174450157-G-A.
Other names: short protein forms P95L.
Identifiers: ClinVar variation 3719433 (VCV003719433.2).